The following is an entry in ClinVar:

ClinVar aggregate classification (germline): Benign/Likely benign. Review status: criteria provided, multiple submitters, no conflicts (2 of 4 stars). 4 submissions from 4 submitters: Benign (1); Likely benign (3). Last evaluated 2026-07-06.

Conditions:
ZAP70-related disorder. Also called: ZAP70-related condition.
Combined immunodeficiency due to ZAP70 deficiency (IMD48). Also called: Immunodeficiency 48; ZAP70 Deficiency. Identifiers: Orphanet 911, MedGen C2931299, MONDO:0010023, OMIM 269840.
Autoimmune disease, multisystem, infantile-onset, 2 (ADMIO2). Identifiers: MedGen C4310768, MONDO:0014861, OMIM 617006.

Allele frequency attached by ClinVar (database versions not stated): gnomAD exomes 0.00047 and 0.00021; gnomAD 0.00009 and below 0.00001; 1000 Genomes Project 30x 0.00109; TOPMed 0.00002; ExAC 0.00056; 1000 Genomes Project 0.00120.
gnomAD v4.1: 338 of 1,614,162 alleles (0.021%); highest among the groups gnomAD compares: South Asian, 0.34%; 6 homozygotes.

Submissions (4):

PreventionGenetics, part of Exact Sciences
Classification: Likely benign for ZAP70-related condition. Last evaluated: 2026-07-06. Review status: criteria provided, single submitter. Criteria: ACMG Guidelines, 2015. Collection method: clinical testing. Allele origin: germline.
Comment: This variant is classified as likely benign based on ACMG/AMP sequence variant interpretation guidelines (Richards et al. 2015 PMID: 25741868, with internal and published modifications).

Labcorp Genetics (formerly Invitae), Labcorp
Classification: Benign for Combined immunodeficiency due to ZAP70 deficiency. Last evaluated: 2026-02-01. Review status: criteria provided, single submitter. Criteria: Invitae Variant Classification Sherloc (09022015). Collection method: clinical testing. Allele origin: germline.

Fulgent Genetics
Classification: Likely benign for Combined immunodeficiency due to ZAP70 deficiency; Autoimmune disease, multisystem, infantile-onset, 2. Last evaluated: 2021-07-24. Review status: criteria provided, single submitter. Criteria: ACMG Guidelines, 2015. Collection method: clinical testing. Allele origin: unknown.

Illumina Laboratory Services, Illumina
Classification: Likely benign for Combined immunodeficiency due to ZAP70 deficiency. Last evaluated: 2018-01-13. Review status: criteria provided, single submitter. Criteria: ICSL Variant Classification Criteria 13 December 2019. Collection method: clinical testing. Allele origin: germline.
Comment: This variant was observed in the ICSL laboratory as part of a predisposition screen in an ostensibly healthy population. It had not been previously curated by ICSL or reported in the Human Gene Mutation Database (HGMD: prior to June 1st, 2018), and was therefore a candidate for classification through an automated scoring system. Utilizing variant allele frequency, disease prevalence and penetrance estimates, and inheritance mode, an automated score was calculated to assess if this variant is too frequent to cause the disease. Based on the score and internal cut-off values, a variant classified as likely benign is not then subjected to further curation. The score for this variant resulted in a classification of likely benign for this disease.

NM_001079.4(ZAP70):c.512A>G (p.Glu171Gly)

Gene: ZAP70 (zeta chain of T cell receptor associated protein kinase 70; plus strand). Cytogenetic location: 2q11.2.
Variant type: single nucleotide variant.
Coding change: c.512A>G on transcript NM_001079.4 (MANE Select); coding-DNA position 512, A replaced by G.
Protein change: p.Glu171Gly; replaces glutamic acid 171 with glycine.
Molecular consequence: missense variant.
Genome position (GRCh38, 1-based): chr2:97,725,201, A>G. VCF-style: chr2-97725201-A-G. GRCh37 (hg19) VCF-style: chr2-98341664-A-G.
Other names: c.512A>G, p.Glu171Gly (NM_001378594.1); short protein forms E171G.
Identifiers: ClinVar variation 898231 (VCV000898231.14), dbSNP rs199631517, ClinGen allele CA1790106.